The following is an entry in ClinVar:

NM_022437.3(ABCG8):c.366T>C (p.Gly122=)

Gene: ABCG8 (ATP binding cassette subfamily G member 8; plus strand). Cytogenetic location: 2p21.
Variant type: single nucleotide variant.
Coding change: c.366T>C on transcript NM_022437.3 (MANE Select); coding-DNA position 366, T replaced by C.
Protein change: p.Gly122=; no amino-acid change (glycine 122 retained).
Molecular consequence: synonymous variant.
Genome position (GRCh38, 1-based): chr2:43,851,627, T>C. VCF-style: chr2-43851627-T-C. GRCh37 (hg19) VCF-style: chr2-44078766-T-C.
Other names: c.366T>C, p.Gly122= (NM_001357321.2).
Identifiers: ClinVar variation 1733783 (VCV001733783.5), dbSNP rs749514686, ClinGen allele CA1636996.

ClinVar aggregate classification (germline): Likely benign. Review status: criteria provided, multiple submitters, no conflicts (2 of 4 stars). 3 submissions from 3 submitters: Likely benign (2). 1 of the submissions does not count toward it. Last evaluated 2025-11-10.

Conditions:
ABCG8-related disorder. Also called: ABCG8-related condition.
Cardiovascular phenotype. Identifiers: MedGen CN230736.

Allele frequency attached by ClinVar (database versions not stated): ExAC 0.00001; gnomAD exomes 0.00001.
gnomAD v4.1: 6 of 1,614,162 alleles (0.00037%); highest among the groups gnomAD compares: South Asian, 0.0066%; no homozygotes.

Submissions (3):

Labcorp Genetics (formerly Invitae), Labcorp
Classification: Likely benign. Last evaluated: 2025-11-10. Review status: criteria provided, single submitter. Criteria: Invitae Variant Classification Sherloc (09022015). Collection method: clinical testing. Allele origin: germline.

Ambry Genetics
Classification: Likely benign for Cardiovascular phenotype. Last evaluated: 2021-10-29. Review status: criteria provided, single submitter. Criteria: Ambry Variant Classification Scheme 2023. Collection method: clinical testing. Allele origin: germline.

PreventionGenetics, part of Exact Sciences
Classification: Likely benign for ABCG8-related condition. Last evaluated: 2022-12-07. Review status: no assertion criteria provided. Collection method: clinical testing. Allele origin: germline. Not counted in ClinVar's aggregate classification.
Comment: This variant is classified as likely benign based on ACMG/AMP sequence variant interpretation guidelines (Richards et al. 2015 PMID: 25741868, with internal and published modifications).